The following is an entry in ClinVar:

NM_001365088.1(SLC12A6):c.1869dup (p.Leu624fs)

Gene: SLC12A6 (solute carrier family 12 member 6; minus strand). Cytogenetic location: 15q14.
Variant type: Duplication.
Coding change: c.1869dup on transcript NM_001365088.1 (MANE Select); coding-DNA position 1869, one base duplicated (A; older notation c.1869dupA).
Protein change: p.Leu624fs; shifts the reading frame from leucine 624.
Molecular consequence: frameshift variant.
Genome position (GRCh38, 1-based): chr15:34,245,359, T duplicated on the plus strand (A on the coding strand, the reverse complement: SLC12A6 is on the minus strand). VCF-style (leftmost placement, unchanged base first): chr15-34245358-G-GT. GRCh37 (hg19) VCF-style: chr15-34537559-G-GT.
Other names: c.1692dup, p.Leu565fs (NM_001042494.2, NM_001042495.2); c.1842dup, p.Leu615fs (NM_001042496.2); c.1824dup, p.Leu609fs (NM_001042497.2); c.1716dup, p.Leu573fs (NM_005135.2); c.1869dup, p.Leu624fs (NM_133647.2); short protein forms L565fs, L573fs, L609fs, L615fs, L624fs.
Identifiers: ClinVar variation 4816517 (VCV004816517.1).

ClinVar aggregate classification (germline): Likely pathogenic (1 of 4 stars; one submission).

Conditions:
Agenesis of the corpus callosum with peripheral neuropathy (ACCPN). Also called: CHARLEVOIX DISEASE; HMSN/ACC; Hereditary Motor and Sensory Neuropathy with Agenesis of the Corpus Callosum; POLYNEUROPATHY, SENSORIMOTOR, WITH OR WITHOUT AGENESIS OF THE CORPUS CALLOSUM. Identifiers: Orphanet 1496, MedGen C0795950, MONDO:0000902, OMIM 218000. Disease mechanism: loss of function.

Submission:

Natera, Inc.
Classification: Likely pathogenic for Andermann syndrome. Last evaluated: 2024-09-10. Review status: criteria provided, single submitter. Criteria: Natera Variant Classification Schema (03/2026). Collection method: clinical testing. Allele origin: germline.
Comment: The c.1869dup variant in SLC12A6 is a frameshift variant predicted to shift the reading frame beginning at codon 624 and leads to a stop codon 95 codons downstream. This variant is expected to result in nonsense mediated decay, truncation, or a dysfunctional protein product. This variant is rare in the general population with a frequency below the threshold expected for the associated phenotype(s). Given the available evidence, this variant is classified as Likely Pathogenic.